The following is an entry in ClinVar:

NM_207361.6(FREM2):c.8587A>G (p.Met2863Val)

Gene: FREM2 (FRAS1 related extracellular matrix 2; plus strand). Cytogenetic location: 13q13.3.
Variant type: single nucleotide variant.
Coding change: c.8587A>G on transcript NM_207361.6 (MANE Select); coding-DNA position 8587, A replaced by G.
Protein change: p.Met2863Val; replaces methionine 2863 with valine.
Molecular consequence: missense variant.
Genome position (GRCh38, 1-based): chr13:38,877,159, A>G. VCF-style: chr13-38877159-A-G. GRCh37 (hg19) VCF-style: chr13-39451296-A-G.
Other names: short protein forms M2863V.
Identifiers: ClinVar variation 2571826 (VCV002571826.1), dbSNP rs1566175969, ClinGen allele CA387906560.

ClinVar aggregate classification (germline): Uncertain significance (1 of 4 stars; one submission).

Allele frequency attached by ClinVar (database versions not stated): TOPMed below 0.00001.

Submission:

GeneDx
Classification: Uncertain significance. Last evaluated: 2022-12-22. Review status: criteria provided, single submitter. Criteria: GeneDx Variant Classification Process June 2021. Collection method: clinical testing. Allele origin: germline. Affected: yes.
Comment: Not observed at significant frequency in large population cohorts (gnomAD); In silico analysis supports that this missense variant does not alter protein structure/function; Has not been previously published as pathogenic or benign to our knowledge